The following is an entry in ClinVar:

ClinVar aggregate classification (germline): Conflicting classifications of pathogenicity. Review status: criteria provided, conflicting classifications (1 of 4 stars). 3 submissions from 3 submitters: Uncertain significance (2); Likely benign (1). Last evaluated 2025-07-30.

Conditions:
Fanconi renotubular syndrome 2 (FRTS2). Identifiers: MedGen C3150652, MONDO:0013247, OMIM 613388.
Hypercalcemia, infantile, 2 (HCINF2). Identifiers: Orphanet 300547, MedGen C4310473, MONDO:0014851, OMIM 616963.
Hypophosphatemic nephrolithiasis/osteoporosis 1. Identifiers: Orphanet 244305, MedGen C2676786, MONDO:0012850, OMIM 612286.
SLC34A1-related disorder. Also called: SLC34A1-related disorders; SLC34A1-related condition.

Allele frequency attached by ClinVar (database versions not stated): gnomAD 0.00006; gnomAD exomes 0.00008; TOPMed 0.00008; ExAC 0.00013; 1000 Genomes Project 30x 0.00031; 1000 Genomes Project 0.00040.

Submissions (3):

PreventionGenetics, part of Exact Sciences
Classification: Uncertain significance for SLC34A1-related condition. Last evaluated: 2025-07-30. Review status: criteria provided, single submitter. Criteria: ACMG Guidelines, 2015. Collection method: clinical testing. Allele origin: germline.
Comment: The SLC34A1 c.511G>A variant is predicted to result in the amino acid substitution p.Val171Ile. This variant was reported in three family members with nephrolithiasis (Amar et al. 2019. PubMed ID: 30778725). This variant is reported in 0.085% of alleles in individuals of South Asian descent in gnomAD, including one homozygote. At this time, the clinical significance of this variant is uncertain due to the absence of conclusive functional and genetic evidence.

Fulgent Genetics
Classification: Uncertain significance for Hypophosphatemic nephrolithiasis/osteoporosis 1; Fanconi renotubular syndrome 2; Hypercalcemia, infantile, 2. Last evaluated: 2024-04-05. Review status: criteria provided, single submitter. Criteria: ACMG Guidelines, 2015. Collection method: clinical testing. Allele origin: germline.

Labcorp Genetics (formerly Invitae), Labcorp
Classification: Likely benign. Last evaluated: 2023-07-31. Review status: criteria provided, single submitter. Criteria: Invitae Variant Classification Sherloc (09022015). Collection method: clinical testing. Allele origin: germline.

NM_003052.5(SLC34A1):c.511G>A (p.Val171Ile)

Gene: SLC34A1 (solute carrier family 34 member 1; plus strand). Cytogenetic location: 5q35.3.
Variant type: single nucleotide variant.
Coding change: c.511G>A on transcript NM_003052.5 (MANE Select); coding-DNA position 511, G replaced by A.
Protein change: p.Val171Ile; replaces valine 171 with isoleucine.
Molecular consequence: missense variant.
Genome position (GRCh38, 1-based): chr5:177,386,545, G>A. VCF-style: chr5-177386545-G-A. GRCh37 (hg19) VCF-style: chr5-176813546-G-A.
Other names: c.511G>A (NM_003052.4); c.511G>A, p.Val171Ile (NM_001167579.2); short protein forms V171I.
Identifiers: ClinVar variation 2742683 (VCV002742683.5), dbSNP rs570463028, ClinGen allele CA3580408.